The following is an entry in ClinVar:

NM_006912.6(RIT1):c.503G>A (p.Arg168His)

Gene: RIT1 (Ras like without CAAX 1; minus strand). Cytogenetic location: 1q22.
Variant type: single nucleotide variant.
Coding change: c.503G>A on transcript NM_006912.6 (MANE Select); coding-DNA position 503, G replaced by A.
Protein change: p.Arg168His; replaces arginine 168 with histidine.
Molecular consequence: missense variant.
Genome position (GRCh38, 1-based): chr1:155,900,545, C>T on the plus strand (G>A on the coding strand, the complement: RIT1 is on the minus strand). VCF-style: chr1-155900545-C-T. GRCh37 (hg19) VCF-style: chr1-155870336-C-T.
Other names: c.395G>A, p.Arg132His (NM_001256820.2); c.554G>A, p.Arg185His (NM_001256821.2); short protein forms R185H, R132H, R168H.
Identifiers: ClinVar variation 2156259 (VCV002156259.4), dbSNP rs938749530, ClinGen allele CA30982430.

ClinVar aggregate classification (germline): Uncertain significance (1 of 4 stars; one submission).

Conditions:
Noonan syndrome 8 (NS8). Identifiers: Orphanet 648, MedGen C3809233, MONDO:0014143, OMIM 615355.

Allele frequency attached by ClinVar (database versions not stated): gnomAD exomes below 0.00001; gnomAD 0.00001; TOPMed 0.00001.

Submission:

Labcorp Genetics (formerly Invitae), Labcorp
Classification: Uncertain significance for Noonan syndrome 8. Last evaluated: 2025-06-01. Review status: criteria provided, single submitter. Criteria: Invitae Variant Classification Sherloc (09022015). Collection method: clinical testing. Allele origin: germline.
Comment: This sequence change replaces arginine, which is basic and polar, with histidine, which is basic and polar, at codon 168 of the RIT1 protein (p.Arg168His). This variant is present in population databases (no rsID available, gnomAD no frequency). This variant has not been reported in the literature in individuals affected with RIT1-related conditions. ClinVar contains an entry for this variant (Variation ID: 2156259). An algorithm developed to predict the effect of missense changes on protein structure and function (PolyPhen-2) suggests that this variant is likely to be disruptive. In summary, the available evidence is currently insufficient to determine the role of this variant in disease. Therefore, it has been classified as a Variant of Uncertain Significance.